The following is an entry in ClinVar:

ClinVar aggregate classification (germline): Uncertain significance (1 of 4 stars; one submission).

Allele frequency attached by ClinVar (database versions not stated): ExAC 0.00001; gnomAD exomes 0.00001; gnomAD 0.00003; TOPMed 0.00001.
gnomAD v4.1: 17 of 1,614,186 alleles (0.0011%); highest among the groups gnomAD compares: African/African-American, 0.004%; no homozygotes.

Submission:

GeneDx
Classification: Uncertain significance. Last evaluated: 2017-01-17. Review status: criteria provided, single submitter. Criteria: GeneDx Variant Classification (06012015). Collection method: clinical testing. Allele origin: germline. Affected: yes.
Comment: The K200E variant of uncertain significance in the MURC gene has not been published as pathogenic or been reported as benign to our knowledge. K200E is not observed in large population cohorts (Lek et al., 2016; 1000 Genomes Consortium et al., 2015; Exome Variant Server). The K200E variant is a non-conservative amino acid substitution, which is likely to impact secondary protein structure as these residues differ in polarity, charge, size and/or other properties. Moreover, this substitution occurs at a position that is conserved in mammals. However, in silico analysis is inconsistent in its predictions as to whether or not the variant is damaging to the protein structure/function. Furthermore, no pathogenic missense variants in nearby residues have been reported in the Human Gene Mutation Database (Stenson et al., 2014), indicating that this region of the gene is not known to harbor disease-causing variants.

NM_001018116.2(CAVIN4):c.598A>G (p.Lys200Glu)

Gene: CAVIN4 (caveolae associated protein 4; plus strand). Cytogenetic location: 9q31.1.
Variant type: single nucleotide variant.
Coding change: c.598A>G on transcript NM_001018116.2 (MANE Select); coding-DNA position 598, A replaced by G.
Protein change: p.Lys200Glu; replaces lysine 200 with glutamic acid.
Molecular consequence: missense variant.
Genome position (GRCh38, 1-based): chr9:100,585,954, A>G. VCF-style: chr9-100585954-A-G. GRCh37 (hg19) VCF-style: chr9-103348236-A-G.
Other names: c.598A>G, p.Lys200Glu (LRG_760t1); short protein forms K200E.
Identifiers: ClinVar variation 392831 (VCV000392831.2), dbSNP rs756842424, ClinGen allele CA5160112.